The following is an entry in ClinVar:

NM_001267550.2(TTN):c.7783A>G (p.Met2595Val)

Gene: TTN (titin; minus strand). Cytogenetic location: 2q31.2.
Variant type: single nucleotide variant.
Coding change: c.7783A>G on transcript NM_001267550.2 (MANE Select); coding-DNA position 7783, A replaced by G.
Protein change: p.Met2595Val; replaces methionine 2595 with valine.
Molecular consequence: missense variant.
Genome position (GRCh38, 1-based): chr2:178,773,181, T>C on the plus strand (A>G on the coding strand, the complement: TTN is on the minus strand). VCF-style: chr2-178773181-T-C. GRCh37 (hg19) VCF-style: chr2-179637908-T-C.
Other names: c.7783A>G, p.Met2595Val (NM_001256850.1, NM_133378.4, NM_133379.5); c.7645A>G, p.Met2549Val (NM_003319.4, NM_133432.3, NM_133437.4); short protein forms M2595V, M2549V.
Identifiers: ClinVar variation 437112 (VCV000437112.13), dbSNP rs760786665, ClinGen allele CA2004754.

ClinVar aggregate classification (germline): Conflicting classifications of pathogenicity. Review status: criteria provided, conflicting classifications (1 of 4 stars). 7 submissions from 7 submitters: Uncertain significance (4); Likely benign (3). Last evaluated 2025-04-09.

Conditions:
Cardiomyopathy (CMYO). Also called: Cardiomyopathies. Identifiers: Orphanet 167848, MedGen C0878544, MONDO:0004994, HP:0001638. Inheritance: Various modes of inheritance.

Allele frequency attached by ClinVar (database versions not stated): gnomAD 0.00001; TOPMed 0.00001; ExAC 0.00002; gnomAD exomes 0.00002 and 0.00004.
gnomAD v4.1: 25 of 1,613,704 alleles (0.0015%); highest among the groups gnomAD compares: Non-Finnish European, 0.002%; no homozygotes.

Submissions (7):

Molecular Diagnostic Laboratory for Inherited Cardiovascular Disease, Montreal Heart Institute
Classification: Likely benign. Last evaluated: 2025-04-09. Review status: criteria provided, single submitter. Criteria: ACMG Guidelines, 2015. Collection method: clinical testing. Allele origin: germline. Affected: no.

Revvity Omics, Revvity
Classification: Uncertain significance. Last evaluated: 2024-08-22. Review status: criteria provided, single submitter. Criteria: ACMG Guidelines, 2015. Collection method: clinical testing. Allele origin: germline.

Blueprint Genetics
Classification: Likely benign. Last evaluated: 2024-08-20. Review status: criteria provided, single submitter. Criteria: ACMG Guidelines, 2015. Collection method: clinical testing. Allele origin: germline.

Women's Health and Genetics/Laboratory Corporation of America, LabCorp
Classification: Uncertain significance. Last evaluated: 2023-06-26. Review status: criteria provided, single submitter. Criteria: LabCorp Variant Classification Summary - May 2015. Collection method: clinical testing. Allele origin: germline.
Comment: Variant summary: TTN c.7783A>G (p.Met2595Val) results in a conservative amino acid change located in the I-band region of the encoded protein sequence. Three of five in-silico tools predict a damaging effect of the variant on protein function. The variant allele was found at a frequency of 2.4e-05 (i.e., 6 heterozygotes) in 250362 control chromosomes (gnomAD v2.1, Exomes dataset). The available data on variant occurrences in the general population are insufficient to allow any conclusion about variant significance. To our knowledge, no occurrence of c.7783A>G in individuals affected with Limb-Girdle Muscular Dystrophy, Type 2J and no experimental evidence demonstrating its impact on protein function have been reported. Three submitters have reported clinical-significance assessments for this variant to ClinVar after 2014 with conflicting assessments: two submitters classified the variant as uncertain significance, and one submitter classified it as likely benign. Based on the evidence outlined above, the variant was classified as uncertain significance.

GeneDx
Classification: Likely benign. Last evaluated: 2020-02-21. Review status: criteria provided, single submitter. Criteria: GeneDx Variant Classification Process June 2021. Collection method: clinical testing. Allele origin: germline. Affected: yes.

CHEO Genetics Diagnostic Laboratory, Children's Hospital of Eastern Ontario
Classification: Uncertain significance for Cardiomyopathy. Last evaluated: 2018-03-28. Review status: criteria provided, single submitter. Criteria: ACMG Guidelines, 2015. Collection method: clinical testing. Allele origin: germline.

Genetic Services Laboratory, University of Chicago
Classification: Uncertain significance. Last evaluated: 2017-02-08. Review status: criteria provided, single submitter. Criteria: ACMG Guidelines, 2015. Collection method: clinical testing. Allele origin: germline. Affected: no.